The following is an entry in ClinVar:

NM_005732.4(RAD50):c.359G>C (p.Arg120Thr)

Gene: RAD50 (RAD50 double strand break repair protein; plus strand). Cytogenetic location: 5q31.1.
Variant type: single nucleotide variant.
Coding change: c.359G>C on transcript NM_005732.4 (MANE Select); coding-DNA position 359, G replaced by C.
Protein change: p.Arg120Thr; replaces arginine 120 with threonine.
Molecular consequence: missense variant.
Genome position (GRCh38, 1-based): chr5:132,575,922, G>C. VCF-style: chr5-132575922-G-C. GRCh37 (hg19) VCF-style: chr5-131911614-G-C.
Other names: c.359G>C (NM_005732.3); short protein forms R120T.
Identifiers: ClinVar variation 2416883 (VCV002416883.7), dbSNP rs376170006, ClinGen allele CA360931484.

ClinVar aggregate classification (germline): Uncertain significance. Review status: criteria provided, multiple submitters, no conflicts (2 of 4 stars). 2 submissions from 2 submitters: Uncertain significance (2). Last evaluated 2025-03-10.

Conditions:
Hereditary cancer-predisposing syndrome. Also called: Tumor predisposition; Hereditary Cancer Syndrome; Neoplastic Syndromes, Hereditary; Hereditary neoplastic syndrome. Identifiers: Orphanet 140162, MedGen C0027672, MeSH D009386, MONDO:0015356.

Submissions (2):

Labcorp Genetics (formerly Invitae), Labcorp
Classification: Uncertain significance for Hereditary cancer-predisposing syndrome. Last evaluated: 2025-03-10. Review status: criteria provided, single submitter. Criteria: Invitae Variant Classification Sherloc (09022015). Collection method: clinical testing. Allele origin: germline.
Comment: This sequence change replaces arginine, which is basic and polar, with threonine, which is neutral and polar, at codon 120 of the RAD50 protein (p.Arg120Thr). This variant is not present in population databases (gnomAD no frequency). This variant has not been reported in the literature in individuals affected with RAD50-related conditions. ClinVar contains an entry for this variant (Variation ID: 2416883). Invitae Evidence Modeling of protein sequence and biophysical properties (such as structural, functional, and spatial information, amino acid conservation, physicochemical variation, residue mobility, and thermodynamic stability) indicates that this missense variant is expected to disrupt RAD50 protein function with a positive predictive value of 80%. In summary, the available evidence is currently insufficient to determine the role of this variant in disease. Therefore, it has been classified as a Variant of Uncertain Significance.

Ambry Genetics
Classification: Uncertain significance for Hereditary cancer-predisposing syndrome. Last evaluated: 2024-10-14. Review status: criteria provided, single submitter. Criteria: Ambry Variant Classification Scheme 2023. Collection method: clinical testing. Allele origin: germline.
Comment: The p.R120T variant (also known as c.359G>C), located in coding exon 3 of the RAD50 gene, results from a G to C substitution at nucleotide position 359. The arginine at codon 120 is replaced by threonine, an amino acid with similar properties. This amino acid position is conserved. In addition, the in silico prediction for this alteration is inconclusive. Based on the available evidence, the clinical significance of this variant remains unclear.